The following is an entry in ClinVar:

ClinVar aggregate classification (germline): Pathogenic (1 of 4 stars; one submission).

Conditions:
Charcot-Marie-Tooth disease type 4. Also called: Charcot-Marie-Tooth, Type 4; Charcot-Marie-Tooth disease, type IV. Identifiers: Orphanet 64749, MedGen C4082197, MONDO:0018995.

Submission:

Labcorp Genetics (formerly Invitae), Labcorp
Classification: Pathogenic for Charcot-Marie-Tooth disease type 4. Last evaluated: 2025-04-07. Review status: criteria provided, single submitter. Criteria: Invitae Variant Classification Sherloc (09022015). Collection method: clinical testing. Allele origin: germline.
Comment: This sequence change creates a premature translational stop signal (p.Glu553Argfs*2) in the PRX gene. While this is not anticipated to result in nonsense mediated decay, it is expected to disrupt the last 909 amino acid(s) of the PRX protein. This variant is not present in population databases (gnomAD no frequency). This variant has not been reported in the literature in individuals affected with PRX-related conditions. ClinVar contains an entry for this variant (Variation ID: 2806966). This variant disrupts a region of the PRX protein in which other variant(s) (p.Gln1169*) have been determined to be pathogenic (internal data). This suggests that this is a clinically significant region of the protein, and that variants that disrupt it are likely to be disease-causing. For these reasons, this variant has been classified as Pathogenic.

NM_181882.3(PRX):c.1657del (p.Glu553fs)

Gene: PRX (periaxin; minus strand). Cytogenetic location: 19q13.2.
Variant type: Deletion.
Coding change: c.1657del on transcript NM_181882.3 (MANE Select); coding-DNA position 1657, one base deleted (G; older notation c.1657delG).
Protein change: p.Glu553fs; shifts the reading frame from glutamic acid 553.
Molecular consequence: frameshift variant. On other transcripts: 3 prime UTR variant (1).
Genome position (GRCh38, 1-based): chr19:40,396,695, C deleted on the plus strand (G on the coding strand, the reverse complement: PRX is on the minus strand). VCF-style (leftmost placement, unchanged base first): chr19-40396694-TC-T. GRCh37 (hg19) VCF-style: chr19-40902601-TC-T.
Other names: c.1942del, p.Glu648fs (NM_001411127.1); c.*1862del (NM_020956.2); short protein forms E553fs, E648fs.
Identifiers: ClinVar variation 2806966 (VCV002806966.3), dbSNP rs2514806102, ClinGen allele CA2582157880.